The following is an entry in ClinVar:

NM_001184880.2(PCDH19):c.1172dup (p.Asn391fs)

Gene: PCDH19 (protocadherin 19; minus strand). Cytogenetic location: Xq22.1.
Variant type: Duplication.
Coding change: c.1172dup on transcript NM_001184880.2 (MANE Select); coding-DNA position 1172, one base duplicated (A; older notation c.1172dupA).
Protein change: p.Asn391fs; shifts the reading frame from asparagine 391.
Molecular consequence: frameshift variant.
Genome position (GRCh38, 1-based): chrX:100,407,426, T duplicated on the plus strand (A on the coding strand, the reverse complement: PCDH19 is on the minus strand); the first of 2 consecutive T bases (chrX:100,407,426-100,407,427); duplicating either gives the same sequence. VCF-style (leftmost placement, unchanged base first): chrX-100407425-A-AT. GRCh37 (hg19) VCF-style: chrX-99662423-A-AT.
Other names: c.1172dup, p.Asn391fs (NM_001105243.2, NM_020766.3); short protein forms N391fs.
Identifiers: ClinVar variation 958756 (VCV000958756.8), dbSNP rs1602636591, ClinGen allele CA1139667042.

ClinVar aggregate classification (germline): Pathogenic (1 of 4 stars; one submission).

Conditions:
Developmental and epileptic encephalopathy, 9 (DEE9). Also called: EPILEPSY, FEMALE-RESTRICTED, WITH MENTAL RETARDATION; Early infantile epileptic encephalopathy 9; JUBERG-HELLMAN SYNDROME; PCDH19-Related X-Linked Female-Limited Epilepsy with Mental Retardation. Identifiers: Orphanet 101039, Orphanet 2076, MedGen C1848137, MONDO:0010246, OMIM 300088. Disease mechanism: loss of function.

Submission:

Labcorp Genetics (formerly Invitae), Labcorp
Classification: Pathogenic for Developmental and epileptic encephalopathy, 9. Last evaluated: 2022-02-03. Review status: criteria provided, single submitter. Criteria: Invitae Variant Classification Sherloc (09022015). Collection method: clinical testing. Allele origin: germline.
Comment: For these reasons, this variant has been classified as Pathogenic. ClinVar contains an entry for this variant (Variation ID: 958756). This variant has not been reported in the literature in individuals affected with PCDH19-related conditions. This variant is not present in population databases (gnomAD no frequency). This sequence change creates a premature translational stop signal (p.Asn391Lysfs*10) in the PCDH19 gene. It is expected to result in an absent or disrupted protein product. Loss-of-function variants in PCDH19 are known to be pathogenic (PMID: 21053371).

Literature cited by the submitters: PubMed 21053371.